The following is an entry in ClinVar:

ClinVar aggregate classification (germline): Uncertain significance (1 of 4 stars; one submission).

Conditions:
Peroxisome biogenesis disorder. Identifiers: Orphanet 79189, MedGen C1832200, MONDO:0019234. Disease mechanism: loss of function.

Allele frequency attached by ClinVar (database versions not stated): gnomAD exomes below 0.00001.

Submission:

Labcorp Genetics (formerly Invitae), Labcorp
Classification: Uncertain significance for Peroxisome biogenesis disorder. Last evaluated: 2022-05-13. Review status: criteria provided, single submitter. Criteria: Invitae Variant Classification Sherloc (09022015). Collection method: clinical testing. Allele origin: germline.
Comment: This sequence change replaces valine, which is neutral and non-polar, with methionine, which is neutral and non-polar, at codon 570 of the PEX6 protein (p.Val570Met). This variant is not present in population databases (gnomAD no frequency). This variant has not been reported in the literature in individuals affected with PEX6-related conditions. Algorithms developed to predict the effect of missense changes on protein structure and function are either unavailable or do not agree on the potential impact of this missense change (SIFT: "Deleterious"; PolyPhen-2: "Probably Damaging"; Align-GVGD: "Class C0"). In summary, the available evidence is currently insufficient to determine the role of this variant in disease. Therefore, it has been classified as a Variant of Uncertain Significance.

NM_000287.4(PEX6):c.1708G>A (p.Val570Met)

Gene: PEX6 (peroxisomal biogenesis factor 6; minus strand). Cytogenetic location: 6p21.1.
Variant type: single nucleotide variant.
Coding change: c.1708G>A on transcript NM_000287.4 (MANE Select); coding-DNA position 1708, G replaced by A.
Protein change: p.Val570Met; replaces valine 570 with methionine.
Molecular consequence: missense variant. On other transcripts: non-coding transcript variant (1).
Genome position (GRCh38, 1-based): chr6:42,967,544, C>T on the plus strand (G>A on the coding strand, the complement: PEX6 is on the minus strand). VCF-style: chr6-42967544-C-T. GRCh37 (hg19) VCF-style: chr6-42935282-C-T.
Other names: c.1444G>A, p.Val482Met (NM_001316313.2); short protein forms V570M, V482M.
Identifiers: ClinVar variation 1432370 (VCV001432370.5), dbSNP rs2114242847, ClinGen allele CA364153894.